The following is an entry in ClinVar:

NM_000230.3(LEP):c.372C>T (p.Gly124=)

Gene: LEP (leptin; plus strand). Cytogenetic location: 7q32.1.
Variant type: single nucleotide variant.
Coding change: c.372C>T on transcript NM_000230.3 (MANE Select); coding-DNA position 372, C replaced by T.
Protein change: p.Gly124=; no amino-acid change (glycine 124 retained).
Molecular consequence: synonymous variant.
Genome position (GRCh38, 1-based): chr7:128,254,631, C>T. VCF-style: chr7-128254631-C-T. GRCh37 (hg19) VCF-style: chr7-127894684-C-T.
Other names: c.372C>T (NM_000230.2).
Identifiers: ClinVar variation 2893938 (VCV002893938.5), dbSNP rs201058992, ClinGen allele CA166745253.
Genomic context (GRCh38, chr7:128,254,631, plus strand): 5'-CCGGGATCTTCTTCACGTGCTGGCCTTCTCTAAGAGCTGCCACTTGCCCTGGGCCAGTGG[C>T]CTGGAGACCTTGGACAGCCTGGGGGGTGTCCTGGAAGCTTCAGGCTACTCCACAGAGGTG-3'
Protein context (NP_000221.1, residues 114-134): SKSCHLPWAS[Gly124=]LETLDSLGGV

ClinVar aggregate classification (germline): Likely benign. Review status: criteria provided, single submitter (1 of 4 stars). 2 submissions from 2 submitters: Likely benign (1). 1 of the submissions does not count toward it. Last evaluated 2025-02-17.

Conditions:
LEP-related disorder. Also called: LEP-related condition.

Allele frequency attached by ClinVar (database versions not stated): TOPMed 0.00002; gnomAD 0.00003; gnomAD exomes 0.00003.
gnomAD v4.1: 51 of 1,614,050 alleles (0.0032%); highest among the groups gnomAD compares: Middle Eastern, 0.016%; no homozygotes.

Submissions (2):

Labcorp Genetics (formerly Invitae), Labcorp
Classification: Likely benign. Last evaluated: 2025-02-17. Review status: criteria provided, single submitter. Criteria: Invitae Variant Classification Sherloc (09022015). Collection method: clinical testing. Allele origin: germline.

PreventionGenetics, part of Exact Sciences
Classification: Likely benign for LEP-related condition. Last evaluated: 2021-03-29. Review status: no assertion criteria provided. Collection method: clinical testing. Allele origin: germline. Not counted in ClinVar's aggregate classification.
Comment: This variant is classified as likely benign based on ACMG/AMP sequence variant interpretation guidelines (Richards et al. 2015 PMID: 25741868, with internal and published modifications).